The following is an entry in ClinVar:

NM_001126108.2(SLC12A3):c.788T>C (p.Ile263Thr)

Gene: SLC12A3 (solute carrier family 12 member 3; plus strand). Cytogenetic location: 16q13.
Variant type: single nucleotide variant.
Coding change: c.788T>C on transcript NM_001126108.2 (MANE Select); coding-DNA position 788, T replaced by C.
Protein change: p.Ile263Thr; replaces isoleucine 263 with threonine.
Molecular consequence: missense variant.
Genome position (GRCh38, 1-based): chr16:56,870,672, T>C. VCF-style: chr16-56870672-T-C. GRCh37 (hg19) VCF-style: chr16-56904584-T-C.
Other names: c.788T>C, p.Ile263Thr (NM_000339.3); c.785T>C, p.Ile262Thr (NM_001126107.2, NM_001410896.1); short protein forms I262T, I263T.
Identifiers: ClinVar variation 2094840 (VCV002094840.1), dbSNP rs774867598, ClinGen allele CA8069206.

ClinVar aggregate classification (germline): Uncertain significance (1 of 4 stars; one submission).

Allele frequency attached by ClinVar (database versions not stated): gnomAD exomes below 0.00001; ExAC 0.00002.
gnomAD v4.1: 3 of 1,613,926 alleles (0.00019%); highest among the groups gnomAD compares: South Asian, 0.0033%; no homozygotes.

Submission:

Labcorp Genetics (formerly Invitae), Labcorp
Classification: Uncertain significance. Last evaluated: 2022-08-23. Review status: criteria provided, single submitter. Criteria: Invitae Variant Classification Sherloc (09022015). Collection method: clinical testing. Allele origin: germline.
Comment: This sequence change replaces isoleucine, which is neutral and non-polar, with threonine, which is neutral and polar, at codon 263 of the SLC12A3 protein (p.Ile263Thr). This variant is present in population databases (rs774867598, gnomAD 0.006%). This variant has not been reported in the literature in individuals affected with SLC12A3-related conditions. Algorithms developed to predict the effect of missense changes on protein structure and function are either unavailable or do not agree on the potential impact of this missense change (SIFT: "Deleterious"; PolyPhen-2: "Possibly Damaging"; Align-GVGD: "Class C0"). In summary, the available evidence is currently insufficient to determine the role of this variant in disease. Therefore, it has been classified as a Variant of Uncertain Significance.